The following is an entry in ClinVar:

ClinVar aggregate classification (germline): Likely benign. Review status: criteria provided, multiple submitters, no conflicts (2 of 4 stars). 4 submissions from 4 submitters: Likely benign (4). Last evaluated 2024-10-28.

Conditions:
Long QT syndrome (LQTS). Identifiers: MedGen C0023976, MeSH D008133, MONDO:0002442. Disease mechanism: loss of function. Inheritance: Various modes of inheritance.
Cardiovascular phenotype. Identifiers: MedGen CN230736.
Cardiac arrhythmia. Also called: Arrhythmia; Cardiac rhythm disease. Identifiers: MedGen C0003811, MONDO:0007263, HP:0011675.

Allele frequency attached by ClinVar (database versions not stated): gnomAD exomes 0.00001; gnomAD 0.00001.
gnomAD v4.1: 10 of 1,530,360 alleles (0.00065%); highest among the groups gnomAD compares: Non-Finnish European, 0.00079%; no homozygotes.

Submissions (4):

Labcorp Genetics (formerly Invitae), Labcorp
Classification: Likely benign for Long QT syndrome. Last evaluated: 2024-10-28. Review status: criteria provided, single submitter. Criteria: Invitae Variant Classification Sherloc (09022015). Collection method: clinical testing. Allele origin: germline.

Ambry Genetics
Classification: Likely benign for Cardiovascular phenotype. Last evaluated: 2024-09-24. Review status: criteria provided, single submitter. Criteria: Ambry Variant Classification Scheme 2023. Collection method: clinical testing. Allele origin: germline.

All of Us Research Program, National Institutes of Health
Classification: Likely benign for Long QT syndrome. Last evaluated: 2023-11-30. Review status: criteria provided, single submitter. Criteria: ACMG Guidelines, 2015. Collection method: clinical testing. Allele origin: germline. Inheritance: Autosomal dominant inheritance. Observed: 4 variant alleles, 4 heterozygotes.
Comment: This study involves interpretation of variants in research participants for the purpose of population health screening. Participant phenotype was not available at the time of variant classification. Additional details can be found in publication PMID: 35346344, PMCID: PMC8962531

Color Diagnostics, LLC DBA Color Health
Classification: Likely benign for Arrhythmia. Last evaluated: 2019-08-26. Review status: criteria provided, single submitter. Criteria: ACMG Guidelines, 2015. Collection method: clinical testing. Allele origin: germline.

NM_000238.4(KCNH2):c.2693-5C>T

Gene: KCNH2 (potassium voltage-gated channel subfamily H member 2; minus strand). Cytogenetic location: 7q36.1.
Variant type: single nucleotide variant.
Coding change: c.2693-5C>T on transcript NM_000238.4 (MANE Select); 5 bases into the intron before coding-DNA position 2693, C replaced by T.
Molecular consequence: intron variant.
Genome position (GRCh38, 1-based): chr7:150,947,883, G>A on the plus strand (C>T on the coding strand, the complement: KCNH2 is on the minus strand). VCF-style: chr7-150947883-G-A. GRCh37 (hg19) VCF-style: chr7-150644971-G-A.
Other names: c.1673-5C>T (NM_172057.3).
Identifiers: ClinVar variation 413323 (VCV000413323.18), dbSNP rs1060503992, ClinGen allele CA16612114.